The following is an entry in ClinVar:

ClinVar aggregate classification (germline): Uncertain significance. Review status: criteria provided, multiple submitters, no conflicts (2 of 4 stars). 2 submissions from 2 submitters: Uncertain significance (2). Last evaluated 2025-01-26.

Conditions:
Inborn genetic diseases. Identifiers: MedGen C0950123, MeSH D030342.

Allele frequency attached by ClinVar (database versions not stated): ExAC 0.00007; ESP Exome Variant Server 0.00008.
gnomAD v4.1: 132 of 1,614,016 alleles (0.0082%); highest among the groups gnomAD compares: Non-Finnish European, 0.011%; no homozygotes.

Submissions (2):

GeneDx
Classification: Uncertain significance. Last evaluated: 2025-01-26. Review status: criteria provided, single submitter. Criteria: GeneDx Variant Classification Process June 2021. Collection method: clinical testing. Allele origin: germline. Affected: yes.
Comment: In silico analysis indicates that this missense variant does not alter protein structure/function; Has not been previously published as pathogenic or benign to our knowledge

Ambry Genetics
Classification: Uncertain significance for Inborn genetic diseases. Last evaluated: 2023-07-19. Review status: criteria provided, single submitter. Criteria: Ambry Variant Classification Scheme 2023. Collection method: clinical testing. Allele origin: germline.

NM_001379659.1(ZNF142):c.2158G>C (p.Ala720Pro)

Gene: ZNF142 (zinc finger protein 142; minus strand). Cytogenetic location: 2q35.
Variant type: single nucleotide variant.
Coding change: c.2158G>C on transcript NM_001379659.1 (MANE Select); coding-DNA position 2158, G replaced by C.
Protein change: p.Ala720Pro; replaces alanine 720 with proline.
Molecular consequence: missense variant.
Genome position (GRCh38, 1-based): chr2:218,644,958, C>G on the plus strand (G>C on the coding strand, the complement: ZNF142 is on the minus strand). VCF-style: chr2-218644958-C-G. GRCh37 (hg19) VCF-style: chr2-219509681-C-G.
Other names: c.1558G>C, p.Ala520Pro (NM_001105537.5, NM_001366291.3, NM_001379662.1); c.1069G>C, p.Ala357Pro (NM_001366287.3, NM_001366288.3, NM_001366289.3); c.2158G>C, p.Ala720Pro (NM_001366290.3, NM_001379660.1, NM_001379661.1); short protein forms A357P, A520P, A720P.
Identifiers: ClinVar variation 2598669 (VCV002598669.3), dbSNP rs375631601, ClinGen allele CA2109207.
Genomic context (GRCh38, chr2:218,644,958, plus strand): 5'-GTGTGCCAGGGTGGTGCTGGGAAGCCATGTGCTTCTGCAGCTCATACTTCCGCTTGCAGG[C>G]GAAGGCACACACCTCACACATCAGAGACTTGCCCTGATGCCGCAGCTTGTGGCTGCTCAG-3'
Protein context (NP_001366588.1, residues 710-730): KSLMCEVCAF[Ala720Pro]CKRKYELQKH